The following is an entry in ClinVar:

NM_001303256.3(MORC2):c.804C>T (p.Ser268=)

Gene: MORC2 (MORC family CW-type zinc finger 2; minus strand). Cytogenetic location: 22q12.2.
Variant type: single nucleotide variant.
Coding change: c.804C>T on transcript NM_001303256.3 (MANE Select); coding-DNA position 804, C replaced by T.
Protein change: p.Ser268=; no amino-acid change (serine 268 retained).
Molecular consequence: synonymous variant.
Genome position (GRCh38, 1-based): chr22:30,941,453, G>A on the plus strand (C>T on the coding strand, the complement: MORC2 is on the minus strand). VCF-style: chr22-30941453-G-A. GRCh37 (hg19) VCF-style: chr22-31337440-G-A.
Other names: c.804C>T, p.Ser268= (NM_001303257.2); c.618C>T, p.Ser206= (NM_014941.3).
Identifiers: ClinVar variation 4990750 (VCV004990750.1).
Genomic context (GRCh38, chr22:30,941,453, plus strand): 5'-ACCCATGGGAGACAGCAGGCCAAGGGGCACTGGCCCCTACCTGGGCTTGTACAGGCAGCA[G>A]GAGAGCCTCTTGGTCTGCACCTTGTGCCCATGGATGAAGATCCTCATCCGGGGATCAATA-3'
Protein context (NP_001290185.1, residues 258-278): HGHKVQTKRL[Ser268=]CCLYKPRMYK

ClinVar aggregate classification (germline): Uncertain significance (1 of 4 stars; one submission).

Conditions:
MORC2-related disorder. Also called: MORC2-related condition.

gnomAD v4.1: 4 of 1,613,842 alleles (0.00025%); highest among the groups gnomAD compares: African/African-American, 0.0053%; no homozygotes.

Submission:

PreventionGenetics, part of Exact Sciences
Classification: Uncertain significance for MORC2-related condition. Last evaluated: 2026-03-05. Review status: criteria provided, single submitter. Criteria: ACMG Guidelines, 2015. Collection method: clinical testing. Allele origin: germline.
Comment: The MORC2 c.804C>T variant is not predicted to result in an amino acid change (p.=). This variant is predicted to impact splicing based on splicing prediction programs (SpliceAI, Jaganathan et al. 2019. PubMed ID: 30661751). However, the use of computer prediction programs is not equivalent to functional evidence. To our knowledge, this variant has not been reported in the literature or in gnomAD, indicating that this variant is rare. At this time, the clinical significance of this variant is uncertain due to the absence of conclusive functional and genetic evidence.